The following is an entry in ClinVar:

NM_001098.3(ACO2):c.1820G>A (p.Arg607His)

Genes: ACO2 (aconitase 2; plus strand), POLR3H (RNA polymerase III subunit H; minus strand). Cytogenetic location: 22q13.2.
Variant type: single nucleotide variant.
Coding change: c.1820G>A on transcript NM_001098.3 (MANE Select); coding-DNA position 1820, G replaced by A.
Protein change: p.Arg607His; replaces arginine 607 with histidine.
Molecular consequence: missense variant. On other transcripts: 3 prime UTR variant (5).
Genome position (GRCh38, 1-based): chr22:41,526,320, G>A. VCF-style: chr22-41526320-G-A. GRCh37 (hg19) VCF-style: chr22-41922324-G-A.
Other names: c.*2963C>T (NM_001018050.4, NM_001018052.4, NM_001282884.2 and 2 more transcripts); short protein forms R607H.
Identifiers: ClinVar variation 1022776 (VCV001022776.7), dbSNP rs1213893717, ClinGen allele CA411728306.

ClinVar aggregate classification (germline): Uncertain significance. Review status: criteria provided, multiple submitters, no conflicts (2 of 4 stars). 2 submissions from 2 submitters: Uncertain significance (2). Last evaluated 2025-08-14.

Allele frequency attached by ClinVar (database versions not stated): gnomAD exomes below 0.00001; gnomAD 0.00001; TOPMed 0.00001.
gnomAD v4.1: 2 of 1,612,806 alleles (0.00012%); highest among the groups gnomAD compares: Non-Finnish European, 0.00017%; no homozygotes.

Submissions (2):

Labcorp Genetics (formerly Invitae), Labcorp
Classification: Uncertain significance. Last evaluated: 2025-08-14. Review status: criteria provided, single submitter. Criteria: Invitae Variant Classification Sherloc (09022015). Collection method: clinical testing. Allele origin: germline.
Comment: This sequence change replaces arginine, which is basic and polar, with histidine, which is basic and polar, at codon 607 of the ACO2 protein (p.Arg607His). This variant is present in population databases (no rsID available, gnomAD 0.0009%). This variant has not been reported in the literature in individuals affected with ACO2-related conditions. ClinVar contains an entry for this variant (Variation ID: 1022776). Invitae Evidence Modeling of protein sequence and biophysical properties (such as structural, functional, and spatial information, amino acid conservation, physicochemical variation, residue mobility, and thermodynamic stability) indicates that this missense variant is expected to disrupt ACO2 protein function with a positive predictive value of 80%. In summary, the available evidence is currently insufficient to determine the role of this variant in disease. Therefore, it has been classified as a Variant of Uncertain Significance.

Blueprint Genetics
Classification: Uncertain significance. Last evaluated: 2022-11-02. Review status: criteria provided, single submitter. Criteria: ACMG Guidelines, 2015. Collection method: clinical testing. Allele origin: germline.